The following is an entry in ClinVar:

NM_153603.4(COG7):c.*14C>T

Gene: COG7 (component of oligomeric golgi complex 7; minus strand). Cytogenetic location: 16p12.2.
Variant type: single nucleotide variant.
Coding change: c.*14C>T on transcript NM_153603.4 (MANE Select); 14 bases downstream of the stop codon, C replaced by T.
Molecular consequence: 3 prime UTR variant.
Genome position (GRCh38, 1-based): chr16:23,388,906, G>A on the plus strand (C>T on the coding strand, the complement: COG7 is on the minus strand). VCF-style: chr16-23388906-G-A. GRCh37 (hg19) VCF-style: chr16-23400227-G-A.
Identifiers: ClinVar variation 382458 (VCV000382458.1), dbSNP rs765890529, ClinGen allele CA7960704.

ClinVar aggregate classification (germline): Likely benign (1 of 4 stars; one submission).

Allele frequency attached by ClinVar (database versions not stated): TOPMed 0.00007; ExAC 0.00002; gnomAD 0.00006.
gnomAD v4.1: 20 of 1,613,602 alleles (0.0012%); highest among the groups gnomAD compares: African/African-American, 0.012%; no homozygotes.

Submission:

GeneDx
Classification: Likely benign. Last evaluated: 2016-01-27. Review status: criteria provided, single submitter. Criteria: GeneDx Variant Classification (06012015). Collection method: clinical testing. Allele origin: germline. Affected: yes.
Comment: This variant is considered likely benign or benign based on one or more of the following criteria: it is a conservative change, it occurs at a poorly conserved position in the protein, it is predicted to be benign by multiple in silico algorithms, and/or has population frequency not consistent with disease.